The following is an entry in ClinVar:

ClinVar aggregate classification (germline): Uncertain significance (1 of 4 stars; one submission).

Conditions:
MHC class II deficiency. Also called: Bare lymphocyte syndrome 2; BLS, TYPE II. Identifiers: Orphanet 572, MedGen C5447452, MONDO:0008855.

Submission:

Labcorp Genetics (formerly Invitae), Labcorp
Classification: Uncertain significance for MHC class II deficiency. Last evaluated: 2023-02-15. Review status: criteria provided, single submitter. Criteria: Invitae Variant Classification Sherloc (09022015). Collection method: clinical testing. Allele origin: germline.
Comment: An algorithm developed to predict the effect of missense changes on protein structure and function (PolyPhen-2) suggests that this variant is likely to be tolerated. This sequence change replaces arginine, which is basic and polar, with glycine, which is neutral and non-polar, at codon 33 of the RFX5 protein (p.Arg33Gly). This variant is not present in population databases (gnomAD no frequency). This variant has not been reported in the literature in individuals affected with RFX5-related conditions. In summary, the available evidence is currently insufficient to determine the role of this variant in disease. Therefore, it has been classified as a Variant of Uncertain Significance.

NM_001025603.2(RFX5):c.97A>G (p.Arg33Gly)

Gene: RFX5 (regulatory factor X5; minus strand). Cytogenetic location: 1q21.3.
Variant type: single nucleotide variant.
Coding change: c.97A>G on transcript NM_001025603.2 (MANE Select); coding-DNA position 97, A replaced by G.
Protein change: p.Arg33Gly; replaces arginine 33 with glycine.
Molecular consequence: missense variant.
Genome position (GRCh38, 1-based): chr1:151,346,224, T>C on the plus strand (A>G on the coding strand, the complement: RFX5 is on the minus strand). VCF-style: chr1-151346224-T-C. GRCh37 (hg19) VCF-style: chr1-151318700-T-C.
Other names: c.97A>G, p.Arg33Gly (NM_001379415.1, NM_001379416.1, NM_001379417.1 and 7 more transcripts); short protein forms R33G.
Identifiers: ClinVar variation 2837609 (VCV002837609.3), dbSNP rs2529050489, ClinGen allele CA341946916.